The following is an entry in ClinVar:

NM_017534.6(MYH2):c.2963T>A (p.Met988Lys)

Genes: MYHAS (myosin heavy chain gene cluster antisense RNA; plus strand), MYH2 (myosin heavy chain 2; minus strand). Cytogenetic location: 17p13.1.
Variant type: single nucleotide variant.
Coding change: c.2963T>A on transcript NM_017534.6 (MANE Select); coding-DNA position 2963, T replaced by A.
Protein change: p.Met988Lys; replaces methionine 988 with lysine.
Molecular consequence: missense variant.
Genome position (GRCh38, 1-based): chr17:10,529,718, A>T on the plus strand (T>A on the coding strand, the complement: MYH2 is on the minus strand). VCF-style: chr17-10529718-A-T. GRCh37 (hg19) VCF-style: chr17-10433035-A-T.
Other names: c.2963T>A, p.Met988Lys (NM_001100112.2); short protein forms M988K.
Identifiers: ClinVar variation 953381 (VCV000953381.8), dbSNP rs749824406, ClinGen allele CA8391028.

ClinVar aggregate classification (germline): Uncertain significance. Review status: criteria provided, multiple submitters, no conflicts (2 of 4 stars). 2 submissions from 2 submitters: Uncertain significance (2). Last evaluated 2025-10-31.

Conditions:
Myopathy, proximal, and ophthalmoplegia (CMYO6). Also called: MYOPATHY WITH CONGENITAL JOINT CONTRACTURES, OPHTHALMOPLEGIA, AND RIMMED VACUOLES; CONGENITAL MYOPATHY 6 WITH OPHTHALMOPLEGIA; INCLUSION BODY MYOPATHY 3, AUTOSOMAL DOMINANT. Identifiers: Orphanet 363677, Orphanet 79091, MedGen C1854106, MONDO:0011577, OMIM 605637.

Allele frequency attached by ClinVar (database versions not stated): gnomAD 0.00001; TOPMed 0.00001; ExAC 0.00002; gnomAD exomes 0.00002.
gnomAD v4.1: 18 of 1,613,896 alleles (0.0011%); highest among the groups gnomAD compares: Admixed American, 0.0017%; no homozygotes.

Submissions (2):

Labcorp Genetics (formerly Invitae), Labcorp
Classification: Uncertain significance for Myopathy, proximal, and ophthalmoplegia. Last evaluated: 2025-10-31. Review status: criteria provided, single submitter. Criteria: Invitae Variant Classification Sherloc (09022015). Collection method: clinical testing. Allele origin: germline.
Comment: This sequence change replaces methionine, which is neutral and non-polar, with lysine, which is basic and polar, at codon 988 of the MYH2 protein (p.Met988Lys). This variant is present in population databases (rs749824406, gnomAD 0.004%). This variant has not been reported in the literature in individuals affected with MYH2-related conditions. ClinVar contains an entry for this variant (Variation ID: 953381). Invitae Evidence Modeling of protein sequence and biophysical properties (such as structural, functional, and spatial information, amino acid conservation, physicochemical variation, residue mobility, and thermodynamic stability) indicates that this missense variant is not expected to disrupt MYH2 protein function with a negative predictive value of 80%. In summary, the available evidence is currently insufficient to determine the role of this variant in disease. Therefore, it has been classified as a Variant of Uncertain Significance.

GeneDx
Classification: Uncertain significance. Last evaluated: 2025-01-06. Review status: criteria provided, single submitter. Criteria: GeneDx Variant Classification Process June 2021. Collection method: clinical testing. Allele origin: germline. Affected: yes.
Comment: Has not been previously published as pathogenic or benign to our knowledge; In silico analysis supports that this missense variant has a deleterious effect on protein structure/function